The following is an entry in ClinVar:

NM_201384.3(PLEC):c.10934G>A (p.Arg3645His)

Gene: PLEC (plectin; minus strand). Cytogenetic location: 8q24.3.
Variant type: single nucleotide variant.
Coding change: c.10934G>A on transcript NM_201384.3 (MANE Select); coding-DNA position 10934, G replaced by A.
Protein change: p.Arg3645His; replaces arginine 3645 with histidine.
Molecular consequence: missense variant.
Genome position (GRCh38, 1-based): chr8:143,918,887, C>T on the plus strand (G>A on the coding strand, the complement: PLEC is on the minus strand). VCF-style: chr8-143918887-C-T. GRCh37 (hg19) VCF-style: chr8-144993055-C-T.
Other names: c.11015G>A, p.Arg3672His (NM_000445.5); c.10892G>A, p.Arg3631His (NM_201378.4); c.10868G>A, p.Arg3623His (NM_201379.3); c.11345G>A, p.Arg3782His (NM_201380.4); c.10838G>A, p.Arg3613His (NM_201381.3); c.10934G>A, p.Arg3645His (NM_201382.4); c.10946G>A, p.Arg3649His (NM_201383.3); short protein forms R3672H, R3645H, R3782H, R3649H, R3613H, R3623H, R3631H.
Identifiers: ClinVar variation 932007 (VCV000932007.12), dbSNP rs374762979, ClinGen allele CA4924491.
Genomic context (GRCh38, chr8:143,918,887, plus strand): 5'-AGGTTGTAGGTCTCGAGAGAGATGATCCGAGCCTCGAACAGGTCCTCAGCCGTGAGGCGG[C>T]GGCGCACGTAGTCGTAGGAGGCCAGACCCTGCTGGCGGATGATCTCTGTCTTCTCAATGA-3'
Protein context (NP_958786.1, residues 3635-3655): QGLASYDYVR[Arg3645His]RLTAEDLFEA

ClinVar aggregate classification (germline): Uncertain significance. Review status: criteria provided, multiple submitters, no conflicts (2 of 4 stars). 2 submissions from 2 submitters: Uncertain significance (2). Last evaluated 2024-09-15.

Conditions:
Autosomal recessive limb-girdle muscular dystrophy type 2Q (LGMDR17). Also called: MUSCULAR DYSTROPHY, LIMB-GIRDLE, AUTOSOMAL RECESSIVE 17. Identifiers: Orphanet 254361, MedGen C3150989, MONDO:0013390, OMIM 613723.
Epidermolysis bullosa simplex with nail dystrophy (EBS5D). Identifiers: MedGen C4225309, MONDO:0014661, OMIM 616487.
Epidermolysis bullosa simplex 5B, with muscular dystrophy (EBS5B). Also called: EPIDERMOLYSIS BULLOSA SIMPLEX AND LIMB-GIRDLE MUSCULAR DYSTROPHY; Epidermolysis bullosa simplex with muscular dystrophy. Identifiers: Orphanet 257, MedGen C2931072, MONDO:0009181, OMIM 226670.
Epidermolysis bullosa simplex, Ogna type (EBS5A). Also called: EPIDERMOLYSIS BULLOSA SIMPLEX 5A, OGNA TYPE; Pidermolysis bullosa simplex 5A, Ogna type. Identifiers: Orphanet 79401, MedGen C0432317, MONDO:0007555, OMIM 131950.
Epidermolysis bullosa simplex 5C, with pyloric atresia (EBS5C). Also called: PLEC1-Related Epidermolysis Bullosa with Pyloric Atresia; PLEC-Related Epidermolysis Bullosa with Pyloric Atresia; Epidermolysis bullosa simplex with pyloric atresia. Identifiers: Orphanet 158684, MedGen C2677349, MONDO:0012807, OMIM 612138.

Allele frequency attached by ClinVar (database versions not stated): ExAC 0.00002; gnomAD 0.00002; gnomAD exomes 0.00002; TOPMed 0.00003; ESP Exome Variant Server 0.00008.
gnomAD v4.1: 26 of 1,612,046 alleles (0.0016%); highest among the groups gnomAD compares: African/African-American, 0.0027%; no homozygotes.

Submissions (2):

Labcorp Genetics (formerly Invitae), Labcorp
Classification: Uncertain significance for Autosomal recessive limb-girdle muscular dystrophy type 2Q; Epidermolysis bullosa simplex, Ogna type; Epidermolysis bullosa simplex with nail dystrophy; Epidermolysis bullosa simplex 5C, with pyloric atresia; Epidermolysis bullosa simplex 5B, with muscular dystrophy. Last evaluated: 2024-09-15. Review status: criteria provided, single submitter. Criteria: Invitae Variant Classification Sherloc (09022015). Collection method: clinical testing. Allele origin: germline.
Comment: This sequence change replaces arginine, which is basic and polar, with histidine, which is basic and polar, at codon 3672 of the PLEC protein (p.Arg3672His). This variant is present in population databases (rs374762979, gnomAD 0.007%). This variant has not been reported in the literature in individuals affected with PLEC-related conditions. ClinVar contains an entry for this variant (Variation ID: 932007). An algorithm developed to predict the effect of missense changes on protein structure and function (PolyPhen-2) suggests that this variant is likely to be disruptive. In summary, the available evidence is currently insufficient to determine the role of this variant in disease. Therefore, it has been classified as a Variant of Uncertain Significance.

Centre for Mendelian Genomics, University Medical Centre Ljubljana
Classification: Uncertain significance for Autosomal recessive limb-girdle muscular dystrophy type 2Q. Last evaluated: 2019-01-09. Review status: criteria provided, single submitter. Criteria: ACMG Guidelines, 2015. Collection method: clinical testing. Allele origin: unknown. Affected: yes.
Comment: This variant was classified as: Uncertain significance. The available evidence on this variant's pathogenicity is insufficient or conflicting. The following ACMG criteria were applied in classifying this variant: PM2,PP3.